The following is an entry in ClinVar:

ClinVar aggregate classification (germline): Pathogenic. Review status: criteria provided, multiple submitters, no conflicts (2 of 4 stars). 2 submissions from 2 submitters: Pathogenic (2). Last evaluated 2022-01-17.

Submissions (2):

Labcorp Genetics (formerly Invitae), Labcorp
Classification: Pathogenic. Last evaluated: 2022-01-17. Review status: criteria provided, single submitter. Criteria: Invitae Variant Classification Sherloc (09022015). Collection method: clinical testing. Allele origin: germline.
Comment: For these reasons, this variant has been classified as Pathogenic. ClinVar contains an entry for this variant (Variation ID: 280086). This premature translational stop signal has been observed in individual(s) with hypophosphatemia (PMID: 10439971, 30682568, 32253725). This variant is not present in population databases (gnomAD no frequency). This sequence change creates a premature translational stop signal (p.Tyr688*) in the PHEX gene. It is expected to result in an absent or disrupted protein product. Loss-of-function variants in PHEX are known to be pathogenic (PMID: 9097956, 9106524, 19219621).

GeneDx
Classification: Pathogenic. Last evaluated: 2016-06-20. Review status: criteria provided, single submitter. Criteria: GeneDx Variant Classification (06012015). Collection method: clinical testing. Allele origin: germline. Affected: yes.
Comment: The Y688X nonsense variant in the PHEX gene has been reported previously in association with X-linked hypophosphatemic rickets (Filisetti et al., 1999). This pathogenic variant is predicted to cause loss of normal protein function either through protein truncation or nonsense-mediated mRNA decay. The variant was not observed in approximately 6,500 individuals of European and African American ancestry in the NHLBI Exome Sequencing Project, indicating it is not a common benign variant in these populations. Additionally, other pathogenic variants (c.2060_2063dupGTTA, c.2063_2072del10) leading to the same nonsense change have been observed in affected individuals at GeneDx.

Literature cited by the submitters: PubMed 10439971 (cited by Labcorp Genetics (formerly Invitae), Labcorp); PubMed 30682568 (cited by Labcorp Genetics (formerly Invitae), Labcorp); PubMed 32253725 (cited by Labcorp Genetics (formerly Invitae), Labcorp); PubMed 9097956 (cited by Labcorp Genetics (formerly Invitae), Labcorp); PubMed 9106524 (cited by Labcorp Genetics (formerly Invitae), Labcorp); PubMed 19219621 (cited by Labcorp Genetics (formerly Invitae), Labcorp).

NM_000444.6(PHEX):c.2064T>A (p.Tyr688Ter)

Genes: PHEX (phosphate regulating endopeptidase X-linked; plus strand), PTCHD1-AS (PTCHD1 and PHEX antisense RNA; minus strand). Cytogenetic location: Xp22.11.
Variant type: single nucleotide variant.
Coding change: c.2064T>A on transcript NM_000444.6 (MANE Select); coding-DNA position 2064, T replaced by A.
Protein change: p.Tyr688Ter; replaces tyrosine 688 with a stop codon.
Molecular consequence: nonsense. On other transcripts: non-coding transcript variant (1).
Genome position (GRCh38, 1-based): chrX:22,227,605, T>A. VCF-style: chrX-22227605-T-A. GRCh37 (hg19) VCF-style: chrX-22245722-T-A.
Other names: c.2064T>A, p.Tyr688Ter (NM_001282754.2); short protein forms Y688*.
Identifiers: ClinVar variation 280086 (VCV000280086.7), dbSNP rs886041373, ClinGen allele CA10603655.